The following is an entry in ClinVar:

NM_001844.5(COL2A1):c.1876C>T (p.Pro626Ser)

Gene: COL2A1 (collagen type II alpha 1 chain; minus strand). Cytogenetic location: 12q13.11.
Variant type: single nucleotide variant.
Coding change: c.1876C>T on transcript NM_001844.5 (MANE Select); coding-DNA position 1876, C replaced by T.
Protein change: p.Pro626Ser; replaces proline 626 with serine.
Molecular consequence: missense variant.
Genome position (GRCh38, 1-based): chr12:47,984,557, G>A on the plus strand (C>T on the coding strand, the complement: COL2A1 is on the minus strand). VCF-style: chr12-47984557-G-A. GRCh37 (hg19) VCF-style: chr12-48378340-G-A.
Other names: c.1669C>T, p.Pro557Ser (NM_033150.3); short protein forms P557S, P626S.
Identifiers: ClinVar variation 1940598 (VCV001940598.6), dbSNP rs1939280886, ClinGen allele CA384549329.
Genomic context (GRCh38, chr12:47,984,557, plus strand): 5'-CAGATGCCCGGCCAACACCAAGTCATGGGCAGCGGGGAAGGATACTTACCCTCAGACCAG[G>A]AGCACCAGGCAGTCCCTTCTCACCAGCTTTGCCAGGCTCACCCTGAAGGAAAGAGAGGGC-3'
Protein context (NP_001835.3, residues 616-636): KAGEKGLPGA[Pro626Ser]GLRGLPGKDG

ClinVar aggregate classification (germline): Uncertain significance. Review status: criteria provided, multiple submitters, no conflicts (2 of 4 stars). 2 submissions from 2 submitters: Uncertain significance (2). Last evaluated 2025-09-10.

Conditions:
Stickler syndrome type 1 (STL1). Also called: STICKLER SYNDROME, MEMBRANOUS VITREOUS TYPE; STICKLER SYNDROME, VITREOUS TYPE 1; COL2A1-Related Stickler Syndrome; ARTHROOPHTHALMOPATHY, HEREDITARY PROGRESSIVE. Identifiers: Orphanet 828, Orphanet 90653, MedGen C2020284, MONDO:0007160, OMIM 108300.

Allele frequency attached by ClinVar (database versions not stated): gnomAD 0.00001.
gnomAD v4.1: 3 of 1,614,026 alleles (0.00019%); highest among the groups gnomAD compares: African/African-American, 0.004%; no homozygotes.

Submissions (2):

Genomic Medicine Center of Excellence, King Faisal Specialist Hospital and Research Centre
Classification: Uncertain significance for Stickler syndrome type 1. Last evaluated: 2025-09-10. Review status: criteria provided, single submitter. Criteria: ACMG Guidelines, 2015. Collection method: clinical testing. Allele origin: germline.

Labcorp Genetics (formerly Invitae), Labcorp
Classification: Uncertain significance. Last evaluated: 2024-02-24. Review status: criteria provided, single submitter. Criteria: Invitae Variant Classification Sherloc (09022015). Collection method: clinical testing. Allele origin: germline.
Comment: This sequence change replaces proline, which is neutral and non-polar, with serine, which is neutral and polar, at codon 626 of the COL2A1 protein (p.Pro626Ser). This variant is not present in population databases (gnomAD no frequency). This variant has not been reported in the literature in individuals affected with COL2A1-related conditions. ClinVar contains an entry for this variant (Variation ID: 1940598). Advanced modeling of protein sequence and biophysical properties (such as structural, functional, and spatial information, amino acid conservation, physicochemical variation, residue mobility, and thermodynamic stability) performed at Invitae indicates that this missense variant is not expected to disrupt COL2A1 protein function with a negative predictive value of 95%. In summary, the available evidence is currently insufficient to determine the role of this variant in disease. Therefore, it has been classified as a Variant of Uncertain Significance.